The following is an entry in ClinVar:

ClinVar aggregate classification (germline): Likely pathogenic (1 of 4 stars; one submission).

Conditions:
Duchenne muscular dystrophy (DMD). Also called: Duchenne Muscular Dystrophy (DMD); MUSCULAR DYSTROPHY, PSEUDOHYPERTROPHIC PROGRESSIVE, DUCHENNE TYPE. Identifiers: Orphanet 98896, MedGen C0013264, MONDO:0010679, OMIM 310200.

Submission:

3billion
Classification: Likely pathogenic for Duchenne muscular dystrophy. Last evaluated: 2025-05-19. Review status: criteria provided, single submitter. Criteria: ACMG Guidelines, 2015. Collection method: clinical testing. Allele origin: germline. Affected: yes.
Comment: The variant is not observed in the gnomAD v4.1.0 dataset. Predicted Consequence/Location: Frameshift: predicted to result in a loss or disruption of normal protein function through nonsense-mediated decay (NMD) or protein truncation. Multiple pathogenic variants are reported downstream of the variant. Therefore, this variant is classified as Likely pathogenic according to the recommendation of ACMG/AMP guideline.

NM_004006.3(DMD):c.2733del (p.Phe911fs)

Gene: DMD (dystrophin; minus strand). Cytogenetic location: Xp21.1.
Variant type: Deletion.
Coding change: c.2733del on transcript NM_004006.3 (MANE Select); coding-DNA position 2733, one base deleted (T; older notation c.2733delT).
Protein change: p.Phe911fs; shifts the reading frame from phenylalanine 911.
Molecular consequence: frameshift variant.
Genome position (GRCh38, 1-based): chrX:32,484,989, A deleted on the plus strand (T on the coding strand, the reverse complement: DMD is on the minus strand); the first of 3 consecutive A bases (chrX:32,484,989-32,484,991); deleting any one gives the same sequence. VCF-style (leftmost placement, unchanged base first): chrX-32484988-CA-C. GRCh37 (hg19) VCF-style: chrX-32503105-CA-C.
Other names: c.2709del, p.Phe903fs (NM_000109.4); c.2721del, p.Phe907fs (NM_004009.3); c.2364del, p.Phe788fs (NM_004010.3); short protein forms F788fs, F903fs, F907fs, F911fs.
Identifiers: ClinVar variation 4854904 (VCV004854904.1).